The following is an entry in ClinVar:

ClinVar aggregate classification (germline): Benign/Likely benign. Review status: criteria provided, multiple submitters, no conflicts (2 of 4 stars). 7 submissions from 7 submitters: Benign (3); Likely benign (3). 1 of the submissions does not count toward it. Last evaluated 2026-07-01.

Conditions:
CAD-related disorder. Also called: CAD-related condition.
Developmental and epileptic encephalopathy, 50 (DEE50). Also called: Epileptic encephalopathy, early infantile, 50. Identifiers: Orphanet 448010, MedGen C4225320, MONDO:0014647, OMIM 616457.

Allele frequency attached by ClinVar (database versions not stated): 1000 Genomes Project 0.00060; 1000 Genomes Project 30x 0.00062; TOPMed 0.00098; ESP Exome Variant Server 0.00108; gnomAD 0.00116 and 0.00118; gnomAD exomes 0.00129 and 0.00177; ExAC 0.00131.
gnomAD v4.1: 2,720 of 1,613,708 alleles (0.17%); highest among the groups gnomAD compares: South Asian, 0.27%; 8 homozygotes.

Submissions (7):

CeGaT Center for Human Genetics Tuebingen
Classification: Likely benign. Last evaluated: 2026-07-01. Review status: criteria provided, single submitter. Criteria: CeGaT Center For Human Genetics Tuebingen Variant Classification Criteria Version 2. Collection method: clinical testing. Allele origin: germline. Affected: yes. Observed: 11 variant alleles.
Comment: CAD: BP4, BP7

Labcorp Genetics (formerly Invitae), Labcorp
Classification: Benign. Last evaluated: 2026-02-02. Review status: criteria provided, single submitter. Criteria: Invitae Variant Classification Sherloc (09022015). Collection method: clinical testing. Allele origin: germline.

Mayo Clinic Laboratories, Mayo Clinic
Classification: Benign. Last evaluated: 2025-03-11. Review status: criteria provided, single submitter. Criteria: ACMG Guidelines, 2015. Collection method: clinical testing. Allele origin: germline. Observed: 2 variant alleles.
Comment: BS1, BS2, BP4, BP7

ARUP Laboratories, Molecular Genetics and Genomics, ARUP Laboratories
Classification: Benign for Developmental and epileptic encephalopathy, 50. Last evaluated: 2025-01-28. Review status: criteria provided, single submitter. Criteria: ARUP Molecular Germline Variant Investigation Process 2024. Collection method: clinical testing. Allele origin: germline.

Blueprint Genetics
Classification: Likely benign. Last evaluated: 2024-11-21. Review status: criteria provided, single submitter. Criteria: ACMG Guidelines, 2015. Collection method: clinical testing. Allele origin: germline.

Breakthrough Genomics
Classification: Likely benign. Review status: criteria provided, single submitter. Criteria: ACMG Guidelines, 2015. Collection method: not provided. Allele origin: germline. Inheritance: Autosomal recessive inheritance. Affected: yes.

PreventionGenetics, part of Exact Sciences
Classification: Likely benign for CAD-related condition. Last evaluated: 2019-05-17. Review status: no assertion criteria provided. Collection method: clinical testing. Allele origin: germline. Not counted in ClinVar's aggregate classification.
Comment: This variant is classified as likely benign based on ACMG/AMP sequence variant interpretation guidelines (Richards et al. 2015 PMID: 25741868, with internal and published modifications).

NM_004341.5(CAD):c.1632C>T (p.Ala544=)

Gene: CAD (carbamoyl-phosphate synthetase 2, aspartate transcarbamylase, and dihydroorotase; plus strand). Cytogenetic location: 2p23.3.
Variant type: single nucleotide variant.
Coding change: c.1632C>T on transcript NM_004341.5 (MANE Select); coding-DNA position 1632, C replaced by T.
Protein change: p.Ala544=; no amino-acid change (alanine 544 retained).
Molecular consequence: synonymous variant.
Genome position (GRCh38, 1-based): chr2:27,225,716, C>T. VCF-style: chr2-27225716-C-T. GRCh37 (hg19) VCF-style: chr2-27448584-C-T.
Other names: p.Ala544=; c.1632C>T, p.Ala544= (NM_001306079.2).
Identifiers: ClinVar variation 732083 (VCV000732083.47), dbSNP rs146242038, ClinGen allele CA1572793.